The following is an entry in ClinVar:

ClinVar aggregate classification (germline): Uncertain significance (1 of 4 stars; one submission).

Conditions:
Desbuquois dysplasia 1 (DBQD1). Also called: MICROMELIC DWARFISM WITH VERTEBRAL AND METAPHYSEAL ABNORMALITIES AND ADVANCED CARPOTARSAL OSSIFICATION; DESBUQUOIS DYSPLASIA 1, KIM VARIANT. Identifiers: Orphanet 1425, MedGen C4012146, MONDO:0009629, OMIM 251450.

gnomAD v4.1: 1 of 1,122,704 alleles (0.000089%); highest among the groups gnomAD compares: Non-Finnish European, 0.00011%; no homozygotes.

Submission:

Labcorp Genetics (formerly Invitae), Labcorp
Classification: Uncertain significance for Desbuquois dysplasia 1. Last evaluated: 2022-12-06. Review status: criteria provided, single submitter. Criteria: Invitae Variant Classification Sherloc (09022015). Collection method: clinical testing. Allele origin: germline.
Comment: Advanced modeling of protein sequence and biophysical properties (such as structural, functional, and spatial information, amino acid conservation, physicochemical variation, residue mobility, and thermodynamic stability) performed at Invitae indicates that this missense variant is not expected to disrupt XYLT1 protein function. In summary, the available evidence is currently insufficient to determine the role of this variant in disease. Therefore, it has been classified as a Variant of Uncertain Significance. This variant has not been reported in the literature in individuals affected with XYLT1-related conditions. The frequency data for this variant in the population databases is considered unreliable, as metrics indicate insufficient coverage at this position in the gnomAD database. This sequence change replaces alanine, which is neutral and non-polar, with threonine, which is neutral and polar, at codon 60 of the XYLT1 protein (p.Ala60Thr).

NM_022166.4(XYLT1):c.178G>A (p.Ala60Thr)

Gene: XYLT1 (xylosyltransferase 1; minus strand). Cytogenetic location: 16p12.3.
Variant type: single nucleotide variant.
Coding change: c.178G>A on transcript NM_022166.4 (MANE Select); coding-DNA position 178, G replaced by A.
Protein change: p.Ala60Thr; replaces alanine 60 with threonine.
Molecular consequence: missense variant.
Genome position (GRCh38, 1-based): chr16:17,470,619, C>T on the plus strand (G>A on the coding strand, the complement: XYLT1 is on the minus strand). VCF-style: chr16-17470619-C-T. GRCh37 (hg19) VCF-style: chr16-17564476-C-T.
Other names: short protein forms A60T.
Identifiers: ClinVar variation 2173042 (VCV002173042.4), dbSNP rs2036976281, ClinGen allele CA395220240.